The following is an entry in ClinVar:

NM_001379200.1(TBX1):c.1431C>A (p.Ala477=)

Gene: TBX1 (T-box transcription factor 1; plus strand). Cytogenetic location: 22q11.21.
Variant type: single nucleotide variant.
Coding change: c.1431C>A on transcript NM_001379200.1 (MANE Select); coding-DNA position 1431, C replaced by A.
Protein change: p.Ala477=; no amino-acid change (alanine 477 retained).
Molecular consequence: synonymous variant. On other transcripts: intron variant (2).
Genome position (GRCh38, 1-based): chr22:19,766,783, C>A. VCF-style: chr22-19766783-C-A. GRCh37 (hg19) VCF-style: chr22-19754306-C-A.
Other names: c.1404C>A, p.Ala468= (NM_080647.1); c.1009+781C>A (NM_005992.1, NM_080646.2).
Identifiers: ClinVar variation 1771870 (VCV001771870.6), dbSNP rs748075946, ClinGen allele CA10102764.

ClinVar aggregate classification (germline): Likely benign. Review status: criteria provided, multiple submitters, no conflicts (2 of 4 stars). 3 submissions from 3 submitters: Likely benign (3). Last evaluated 2026-04-19.

Conditions:
Cardiovascular phenotype. Identifiers: MedGen CN230736.
DiGeorge syndrome. Also called: THIRD AND FOURTH PHARYNGEAL POUCH SYNDROME; Catch22. Identifiers: Orphanet 567, MedGen C0012236, MONDO:0008564, OMIM 188400.
TBX1-related disorder. Also called: TBX1-related condition; TBX1-Related Disorders.

Allele frequency attached by ClinVar (database versions not stated): ExAC 0.00002; gnomAD 0.00003.

Submissions (3):

PreventionGenetics, part of Exact Sciences
Classification: Likely benign for TBX1-related condition. Last evaluated: 2026-04-19. Review status: criteria provided, single submitter. Criteria: ACMG Guidelines, 2015. Collection method: clinical testing. Allele origin: germline.
Comment: This variant is classified as likely benign based on ACMG/AMP sequence variant interpretation guidelines (Richards et al. 2015 PMID: 25741868, with internal and published modifications).

Labcorp Genetics (formerly Invitae), Labcorp
Classification: Likely benign for DiGeorge syndrome. Last evaluated: 2023-03-13. Review status: criteria provided, single submitter. Criteria: Invitae Variant Classification Sherloc (09022015). Collection method: clinical testing. Allele origin: germline.

Ambry Genetics
Classification: Likely benign for Cardiovascular phenotype. Last evaluated: 2019-07-26. Review status: criteria provided, single submitter. Criteria: Ambry Variant Classification Scheme 2023. Collection method: clinical testing. Allele origin: germline.